The following is an entry in ClinVar:

ClinVar aggregate classification (germline): Uncertain significance (1 of 4 stars; one submission).

Conditions:
Hereditary cancer-predisposing syndrome. Also called: Tumor predisposition; Neoplastic Syndromes, Hereditary; Hereditary neoplastic syndrome; Hereditary Cancer Syndrome. Identifiers: Orphanet 140162, MedGen C0027672, MeSH D009386, MONDO:0015356.

Submission:

Ambry Genetics
Classification: Uncertain significance for Hereditary cancer-predisposing syndrome. Last evaluated: 2024-08-22. Review status: criteria provided, single submitter. Criteria: Ambry Variant Classification Scheme 2023. Collection method: clinical testing. Allele origin: germline.
Comment: The p.S283P variant (also known as c.847T>C), located in coding exon 6 of the STK11 gene, results from a T to C substitution at nucleotide position 847. The serine at codon 283 is replaced by proline, an amino acid with similar properties. This amino acid position is conserved. In addition, the in silico prediction for this alteration is inconclusive. Based on the available evidence, the clinical significance of this variant remains unclear.

NM_000455.5(STK11):c.847T>C (p.Ser283Pro)

Gene: STK11 (serine/threonine kinase 11; plus strand). Cytogenetic location: 19p13.3.
Variant type: single nucleotide variant.
Coding change: c.847T>C on transcript NM_000455.5 (MANE Select); coding-DNA position 847, T replaced by C.
Protein change: p.Ser283Pro; replaces serine 283 with proline.
Molecular consequence: missense variant. On other transcripts: non-coding transcript variant (1).
Genome position (GRCh38, 1-based): chr19:1,221,325, T>C. VCF-style: chr19-1221325-T-C. GRCh37 (hg19) VCF-style: chr19-1221324-T-C.
Other names: c.847T>C, p.Ser283Pro (NM_001407255.1); short protein forms S283P.
Identifiers: ClinVar variation 3450573 (VCV003450573.1).